The following is an entry in ClinVar:

NM_002476.2(MYL4):c.566C>G (p.Ala189Gly)

Gene: MYL4 (myosin light chain 4; plus strand). Cytogenetic location: 17q21.32.
Variant type: single nucleotide variant.
Coding change: c.566C>G on transcript NM_002476.2 (MANE Select); coding-DNA position 566, C replaced by G.
Protein change: p.Ala189Gly; replaces alanine 189 with glycine.
Molecular consequence: missense variant.
Genome position (GRCh38, 1-based): chr17:47,223,014, C>G. VCF-style: chr17-47223014-C-G. GRCh37 (hg19) VCF-style: chr17-45300380-C-G.
Other names: c.566C>G, p.Ala189Gly (NM_001002841.2); short protein forms A189G.
Identifiers: ClinVar variation 3630101 (VCV003630101.2).

ClinVar aggregate classification (germline): Uncertain significance (1 of 4 stars; one submission).

Conditions:
Atrial fibrillation, familial, 18 (ATFB18). Identifiers: MedGen C4310636, MONDO:0015001, OMIM 617280.

gnomAD v4.1: 6 of 1,614,148 alleles (0.00037%); highest among the groups gnomAD compares: South Asian, 0.0011%; no homozygotes.

Submission:

Labcorp Genetics (formerly Invitae), Labcorp
Classification: Uncertain significance for Atrial fibrillation, familial, 18. Last evaluated: 2024-08-03. Review status: criteria provided, single submitter. Criteria: Invitae Variant Classification Sherloc (09022015). Collection method: clinical testing. Allele origin: germline.
Comment: This sequence change replaces alanine, which is neutral and non-polar, with glycine, which is neutral and non-polar, at codon 189 of the MYL4 protein (p.Ala189Gly). This variant is present in population databases (no rsID available, gnomAD 0.0009%). This variant has not been reported in the literature in individuals affected with MYL4-related conditions. An algorithm developed to predict the effect of missense changes on protein structure and function (PolyPhen-2) suggests that this variant is likely to be tolerated. In summary, the available evidence is currently insufficient to determine the role of this variant in disease. Therefore, it has been classified as a Variant of Uncertain Significance.